The following is an entry in ClinVar:

NM_001040108.2(MLH3):c.3549A>T (p.Lys1183Asn)

Gene: MLH3 (mutL homolog 3; minus strand). Cytogenetic location: 14q24.3.
Variant type: single nucleotide variant.
Coding change: c.3549A>T on transcript NM_001040108.2 (MANE Select); coding-DNA position 3549, A replaced by T.
Protein change: p.Lys1183Asn; replaces lysine 1183 with asparagine.
Molecular consequence: missense variant.
Genome position (GRCh38, 1-based): chr14:75,039,932, T>A on the plus strand (A>T on the coding strand, the complement: MLH3 is on the minus strand). VCF-style: chr14-75039932-T-A. GRCh37 (hg19) VCF-style: chr14-75506635-T-A.
Other names: c.3549A>T, p.Lys1183Asn (NM_014381.3); short protein forms K1183N.
Identifiers: ClinVar variation 1732541 (VCV001732541.2), dbSNP rs2503195089, ClinGen allele CA390428416.

ClinVar aggregate classification (germline): Uncertain significance (1 of 4 stars; one submission).

Submission:

Ambry Genetics
Classification: Uncertain significance. Last evaluated: 2021-08-17. Review status: criteria provided, single submitter. Criteria: Ambry Variant Classification Scheme 2023. Collection method: clinical testing. Allele origin: germline.
Comment: The p.K1183N variant (also known as c.3549A>T), located in coding exon 4 of the MLH3 gene, results from an A to T substitution at nucleotide position 3549. The lysine at codon 1183 is replaced by asparagine, an amino acid with similar properties. This amino acid position is conserved. In addition, the in silico prediction for this alteration is inconclusive. Since supporting evidence is limited at this time, the clinical significance of this alteration remains unclear.